The following is an entry in ClinVar:

NM_001040142.2(SCN2A):c.823C>T (p.Arg275Ter)

Gene: SCN2A (sodium voltage-gated channel alpha subunit 2; plus strand). Cytogenetic location: 2q24.3.
Variant type: single nucleotide variant.
Coding change: c.823C>T on transcript NM_001040142.2 (MANE Select); coding-DNA position 823, C replaced by T.
Protein change: p.Arg275Ter; replaces arginine 275 with a stop codon.
Molecular consequence: nonsense.
Genome position (GRCh38, 1-based): chr2:165,310,448, C>T. VCF-style: chr2-165310448-C-T. GRCh37 (hg19) VCF-style: chr2-166166958-C-T.
Other names: p.R275*:CGA>TGA; c.823C>T, p.Arg275Ter (NM_001040143.2, NM_001371246.1, NM_001371247.1 and 1 more transcripts); short protein forms R275*.
Identifiers: ClinVar variation 207041 (VCV000207041.17), dbSNP rs181327458, ClinGen allele CA318080.

ClinVar aggregate classification (germline): Pathogenic. Review status: criteria provided, multiple submitters, no conflicts (2 of 4 stars). 5 submissions from 5 submitters: Pathogenic (4). 1 of the submissions does not count toward it. Last evaluated 2025-09-07.

Conditions:
Developmental disorder. Identifiers: MedGen C0008073.
Inborn genetic diseases. Identifiers: MedGen C0950123, MeSH D030342.
Seizures, benign familial infantile, 3 (BFIS3). Also called: CONVULSIONS, BENIGN FAMILIAL INFANTILE, 3; Familial neonatal seizures. Identifiers: Orphanet 140927, Orphanet 306, MedGen C1843140, MONDO:0011904, OMIM 607745.
Developmental and epileptic encephalopathy, 11 (DEE11). Also called: Early infantile epileptic encephalopathy 11. Identifiers: Orphanet 1934, MedGen C3150987, MONDO:0013388, OMIM 613721.
Autism (AUTS). Also called: Autistic disorder; Autistic disorder of childhood onset. Identifiers: MedGen C0004352, MeSH D001321, MONDO:0005260, OMIM 209850, HP:0000717.
Complex neurodevelopmental disorder. Identifiers: Orphanet 528084, MedGen C5568766, MONDO:0100038.

Allele frequency attached by ClinVar (database versions not stated): gnomAD exomes below 0.00001; 1000 Genomes Project 30x 0.00016; 1000 Genomes Project 0.00020.
gnomAD v4.1: 1 of 1,613,554 alleles (0.000062%); no homozygotes.

Submissions (5):

Labcorp Genetics (formerly Invitae), Labcorp
Classification: Pathogenic for Seizures, benign familial infantile, 3; Developmental and epileptic encephalopathy, 11. Last evaluated: 2025-09-07. Review status: criteria provided, single submitter. Criteria: Invitae Variant Classification Sherloc (09022015). Collection method: clinical testing. Allele origin: germline.
Comment: This sequence change creates a premature translational stop signal (p.Arg275*) in the SCN2A gene. It is expected to result in an absent or disrupted protein product. Loss-of-function variants in SCN2A are known to be pathogenic (PMID: 28379373). This variant is not present in population databases (gnomAD no frequency). This premature translational stop signal has been observed in individual(s) with seizures (internal data). ClinVar contains an entry for this variant (Variation ID: 207041). Algorithms developed to predict the effect of sequence changes on RNA splicing suggest that this variant may disrupt the consensus splice site. For these reasons, this variant has been classified as Pathogenic.

GeneDx
Classification: Pathogenic. Last evaluated: 2023-01-03. Review status: criteria provided, single submitter. Criteria: GeneDx Variant Classification Process June 2021. Collection method: clinical testing. Allele origin: germline. Affected: yes.
Comment: Reported in the heterozygous state in an individual with a neurodevelopmental disorder; however, detailed clinical information was not provided (Wang et al., 2020); Not observed at significant frequency in large population cohorts (gnomAD); Nonsense variant predicted to result in protein truncation or nonsense mediated decay in a gene for which loss of function is a known mechanism of disease; This variant is associated with the following publications: (PMID: 29852413, 33004838)

Ambry Genetics
Classification: Pathogenic for Inborn genetic diseases. Last evaluated: 2021-11-18. Review status: criteria provided, single submitter. Criteria: Ambry Variant Classification Scheme 2023. Collection method: clinical testing. Allele origin: germline.
Comment: The c.823C>T (p.R275*) alteration, located in exon 7 (coding exon 6) of the SCN2A gene, consists of a C to T substitution at nucleotide position 823. This changes the amino acid from an arginine (R) to a stop codon at amino acid position 275. This alteration is expected to result in loss of function by premature protein truncation or nonsense-mediated mRNA decay. This allele was reported in one heterozygous individual in population-based cohorts in the Genome Aggregation Database (gnomAD). This alteration was reported in an individual with epileptic encephalopathy, hypotonia, oculocutaneous albinism, autism, and Rett like features (Kothur, 2018). Based on the available evidence, this alteration is classified as pathogenic.

Department of Genetics, Rouen University Hospital, Normandy Center for Genomic and Personalized Medicine
Classification: Pathogenic for Developmental disorder. Last evaluated: 2020-04-10. Review status: criteria provided, single submitter. Criteria: ACMG Guidelines, 2015. Collection method: clinical testing. Allele origin: de novo. Affected: yes.

Centre for Addiction & Mental Health
Classification: Likely pathogenic for Autism. Review status: no assertion criteria provided. Collection method: research. Allele origin: de novo. Affected: yes. Observed: 1 heterozygote. Segregation with disease not observed. Not counted in ClinVar's aggregate classification.
Comment: de novo nonsynonymous variant in known disesae gene

Literature cited by the submitters: PubMed 28379373 (cited by Labcorp Genetics (formerly Invitae), Labcorp); PubMed 29852413 (cited by Ambry Genetics).